The following is an entry in ClinVar:

ClinVar aggregate classification (germline): Uncertain significance (1 of 4 stars; one submission).

Allele frequency attached by ClinVar (database versions not stated): gnomAD exomes below 0.00001.
gnomAD v4.1: 1 of 1,614,066 alleles (0.000062%); highest among the groups gnomAD compares: Non-Finnish European, 0.000085%; no homozygotes.

Submission:

Labcorp Genetics (formerly Invitae), Labcorp
Classification: Uncertain significance. Last evaluated: 2019-04-21. Review status: criteria provided, single submitter. Criteria: Invitae Variant Classification Sherloc (09022015). Collection method: clinical testing. Allele origin: germline.
Comment: This sequence change replaces glutamine with leucine at codon 1163 of the A2ML1 protein (p.Gln1163Leu). The glutamine residue is moderately conserved and there is a moderate physicochemical difference between glutamine and leucine. This variant is not present in population databases (ExAC no frequency). This variant has not been reported in the literature in individuals with A2ML1-related conditions. Algorithms developed to predict the effect of missense changes on protein structure and function (SIFT, PolyPhen-2, Align-GVGD) all suggest that this variant is likely to be tolerated, but these predictions have not been confirmed by published functional studies and their clinical significance is uncertain. In summary, the available evidence is currently insufficient to determine the role of this variant in disease. Therefore, it has been classified as a Variant of Uncertain Significance.

NM_144670.6(A2ML1):c.3488A>T (p.Gln1163Leu)

Gene: A2ML1 (alpha-2-macroglobulin like 1; plus strand). Cytogenetic location: 12p13.31.
Variant type: single nucleotide variant.
Coding change: c.3488A>T on transcript NM_144670.6 (MANE Select); coding-DNA position 3488, A replaced by T.
Protein change: p.Gln1163Leu; replaces glutamine 1163 with leucine.
Molecular consequence: missense variant.
Genome position (GRCh38, 1-based): chr12:8,861,283, A>T. VCF-style: chr12-8861283-A-T. GRCh37 (hg19) VCF-style: chr12-9013879-A-T.
Other names: c.2015A>T, p.Gln672Leu (NM_001282424.3); short protein forms Q672L, Q1163L.
Identifiers: ClinVar variation 838371 (VCV000838371.1), dbSNP rs1944253824, ClinGen allele CA383841031.
Genomic context (GRCh38, chr12:8,861,283, plus strand): 5'-TTTTCTCCCTGGCTGGGGAAATGGACATCAGAAACATTCTCCTTAAACAGTTAGATCAAC[A>T]GGCTATCATCTCAGGTATGTTGGTCCTGTTGAGAGTTCTTTGAAATTGTGAACATAAGCT-3'
Protein context (NP_653271.3, residues 1153-1173): RNILLKQLDQ[Gln1163Leu]AIISGESIYW